The following is an entry in ClinVar:

NM_001256012.3(MYH10):c.4543A>G (p.Lys1515Glu)

Gene: MYH10 (myosin heavy chain 10; minus strand). Cytogenetic location: 17p13.1.
Variant type: single nucleotide variant.
Coding change: c.4543A>G on transcript NM_001256012.3 (MANE Select); coding-DNA position 4543, A replaced by G.
Protein change: p.Lys1515Glu; replaces lysine 1515 with glutamic acid.
Molecular consequence: missense variant.
Genome position (GRCh38, 1-based): chr17:8,492,425, T>C on the plus strand (A>G on the coding strand, the complement: MYH10 is on the minus strand). VCF-style: chr17-8492425-T-C. GRCh37 (hg19) VCF-style: chr17-8395743-T-C.
Other names: c.4450A>G, p.Lys1484Glu (NM_005964.5); c.4477A>G, p.Lys1493Glu (NM_001256095.2); c.4480A>G, p.Lys1494Glu (NM_001375266.1); short protein forms K1484E, K1515E, K1493E, K1494E.
Identifiers: ClinVar variation 3731033 (VCV003731033.1).

ClinVar aggregate classification (germline): Uncertain significance (1 of 4 stars; one submission).

Submission:

GeneDx
Classification: Uncertain significance. Last evaluated: 2024-08-08. Review status: criteria provided, single submitter. Criteria: GeneDx Variant Classification Process June 2021. Collection method: clinical testing. Allele origin: germline. Affected: yes.
Comment: Not observed at significant frequency in large population cohorts (gnomAD); In silico analysis supports that this missense variant has a deleterious effect on protein structure/function; Has not been previously published as pathogenic or benign to our knowledge